The following is an entry in ClinVar:

NM_001365951.3(KIF1B):c.1145T>G (p.Leu382Arg)

Gene: KIF1B (kinesin family member 1B; plus strand). Cytogenetic location: 1p36.22.
Variant type: single nucleotide variant.
Coding change: c.1145T>G on transcript NM_001365951.3 (MANE Select); coding-DNA position 1145, T replaced by G.
Protein change: p.Leu382Arg; replaces leucine 382 with arginine.
Molecular consequence: missense variant.
Genome position (GRCh38, 1-based): chr1:10,278,093, T>G. VCF-style: chr1-10278093-T-G. GRCh37 (hg19) VCF-style: chr1-10338151-T-G.
Other names: c.1145T>G, p.Leu382Arg (NM_001365952.1); c.1127T>G, p.Leu376Arg (NM_001365953.1, NM_015074.3, NM_183416.4); short protein forms L376R, L382R.
Identifiers: ClinVar variation 1799466 (VCV001799466.8), dbSNP rs1327754308, ClinGen allele CA338334489.

ClinVar aggregate classification (germline): Uncertain significance. Review status: criteria provided, multiple submitters, no conflicts (2 of 4 stars). 2 submissions from 2 submitters: Uncertain significance (2). Last evaluated 2025-09-29.

Conditions:
Charcot-Marie-Tooth disease type 2. Also called: Charcot-Marie-Tooth type 2. Identifiers: Orphanet 64746, MedGen C0270914, MONDO:0018993.

Allele frequency attached by ClinVar (database versions not stated): gnomAD exomes below 0.00001; TOPMed 0.00001; gnomAD 0.00001.
gnomAD v4.1: 3 of 1,613,964 alleles (0.00019%); highest among the groups gnomAD compares: Non-Finnish European, 0.00025%; no homozygotes.

Submissions (2):

Ambry Genetics
Classification: Uncertain significance. Last evaluated: 2025-09-29. Review status: criteria provided, single submitter. Criteria: Ambry Variant Classification Scheme 2023. Collection method: clinical testing. Allele origin: germline.
Comment: The p.L376R variant (also known as c.1127T>G), located in coding exon 11 of the KIF1B gene, results from a T to G substitution at nucleotide position 1127. The leucine at codon 376 is replaced by arginine, an amino acid with dissimilar properties. This amino acid position is highly conserved in available vertebrate species. In addition, this alteration is predicted to be deleterious by in silico analysis. Since supporting evidence is limited at this time, the clinical significance of this alteration remains unclear.

Labcorp Genetics (formerly Invitae), Labcorp
Classification: Uncertain significance for Charcot-Marie-Tooth disease type 2. Last evaluated: 2022-08-22. Review status: criteria provided, single submitter. Criteria: Invitae Variant Classification Sherloc (09022015). Collection method: clinical testing. Allele origin: germline.
Comment: This sequence change replaces leucine, which is neutral and non-polar, with arginine, which is basic and polar, at codon 376 of the KIF1B protein (p.Leu376Arg). In summary, the available evidence is currently insufficient to determine the role of this variant in disease. Therefore, it has been classified as a Variant of Uncertain Significance. Algorithms developed to predict the effect of missense changes on protein structure and function are either unavailable or do not agree on the potential impact of this missense change (SIFT: "Deleterious"; PolyPhen-2: "Probably Damaging"; Align-GVGD: "Class C0"). This variant has not been reported in the literature in individuals affected with KIF1B-related conditions. This variant is not present in population databases (gnomAD no frequency).